The following is an entry in ClinVar:

NM_004380.3(CREBBP):c.3836+3A>T

Gene: CREBBP (CREB binding protein; minus strand). Cytogenetic location: 16p13.3.
Variant type: single nucleotide variant.
Coding change: c.3836+3A>T on transcript NM_004380.3 (MANE Select); 3 bases into the intron after coding-DNA position 3836, A replaced by T.
Molecular consequence: intron variant.
Genome position (GRCh38, 1-based): chr16:3,749,624, T>A on the plus strand (A>T on the coding strand, the complement: CREBBP is on the minus strand). VCF-style: chr16-3749624-T-A. GRCh37 (hg19) VCF-style: chr16-3799625-T-A.
Other names: c.3722+3A>T (NM_001079846.1).
Identifiers: ClinVar variation 1712564 (VCV001712564.3), dbSNP rs1459851878, ClinGen allele CA2580091102.
Genomic context (GRCh38, chr16:3,749,624, plus strand): 5'-AGGAGTAACTTTACCGATTTCAAACCAAAACTGAAAGTAAAAAAGAAATAGCTATATACT[T>A]ACGGTTCGGGGTCTAAGGTATCATTTTTCTTCTTTTCAAACTGATCCTTTGAAATTGTCC-3'

ClinVar aggregate classification (germline): Uncertain significance (1 of 4 stars; one submission).
ClinVar aggregate classification (oncogenicity): Likely oncogenic (1 of 4 stars; one submission).

Conditions:
Neoplasm. Also called: tumor; Neoplasms; Neoplasm (disease). Identifiers: MedGen C0027651, MeSH D009369, MONDO:0005070, HP:0002664.

Submissions (2):

Center for Genomic Medicine, Rigshospitalet, Copenhagen University Hospital
Classification: Likely oncogenic for Neoplasm. Last evaluated: 2025-03-04. Review status: criteria provided, single submitter. Criteria: ClinGen/CGC/VICC Guidelines for Oncogenicity, 2022. Collection method: clinical testing. Allele origin: somatic. Affected: yes.

GeneDx
Classification: Uncertain significance. Last evaluated: 2022-04-29. Review status: criteria provided, single submitter. Criteria: GeneDx Variant Classification Process June 2021. Collection method: clinical testing. Allele origin: germline. Affected: yes.
Comment: Not observed at significant frequency in large population cohorts (gnomAD); In silico analysis supports a deleterious effect on splicing; Has not been previously published as pathogenic or benign to our knowledge